The following is an entry in ClinVar:

NM_004360.5(CDH1):c.1711+9del

Gene: CDH1 (cadherin 1; plus strand). Cytogenetic location: 16q22.1.
Variant type: Deletion.
Coding change: c.1711+9del on transcript NM_004360.5 (MANE Select); 9 bases into the intron after coding-DNA position 1711, one base deleted (G; older notation c.1711+9delG).
Molecular consequence: intron variant.
Genome position (GRCh38, 1-based): chr16:68,819,434, G deleted; the last of 5 consecutive G bases (chr16:68,819,430-68,819,434); deleting any one gives the same sequence. VCF-style (leftmost placement, unchanged base first): chr16-68819429-AG-A. GRCh37 (hg19) VCF-style: chr16-68853332-AG-A.
Other names: c.163+9del (NM_001317185.2); c.-254-2567del (NM_001317186.2); c.1528+9del (NM_001317184.2).
Identifiers: ClinVar variation 762976 (VCV000762976.11), dbSNP rs762825233, ClinGen allele CA915949316.
Genomic context (GRCh38, chr16:68,819,429, plus strand): 5'-ATTTTGAGCACGTGAAGAACAGCACGTACACAGCCCTAATCATAGCTACAGACAATGGTA[AG>A]GGGGCCTCATCTGAGCCTTTGCTGCCTCGACCTCCTAGCTAGTTCAGTTCCTTGCCCCTC-3'

ClinVar aggregate classification (germline): Likely benign. Review status: criteria provided, multiple submitters, no conflicts (2 of 4 stars). 2 submissions from 2 submitters: Likely benign (2). Last evaluated 2024-09-19.

Conditions:
Hereditary diffuse gastric adenocarcinoma (HDGC). Also called: DIFFUSE GASTRIC AND LOBULAR BREAST CANCER SYNDROME. Identifiers: Orphanet 26106, MedGen C1708349, MONDO:0007648, OMIM 137215.

Submissions (2):

Myriad Genetics, Inc.
Classification: Likely benign for Hereditary diffuse gastric adenocarcinoma. Last evaluated: 2024-09-19. Review status: criteria provided, single submitter. Criteria: Myriad Autosomal Dominant, Autosomal Recessive and X-Linked Classification Criteria (2023). Collection method: clinical testing. Allele origin: unknown.
Comment: This variant is considered likely benign. This variant is intronic and is not expected to impact mRNA splicing.

Labcorp Genetics (formerly Invitae), Labcorp
Classification: Likely benign for Hereditary diffuse gastric adenocarcinoma. Last evaluated: 2024-04-10. Review status: criteria provided, single submitter. Criteria: Invitae Variant Classification Sherloc (09022015). Collection method: clinical testing. Allele origin: germline.